The following is an entry in ClinVar:

NM_001394062.1(MACF1):c.14429A>T (p.Asp4810Val)

Gene: MACF1 (microtubule actin crosslinking factor 1; plus strand). Cytogenetic location: 1p34.3.
Variant type: single nucleotide variant.
Coding change: c.14429A>T on transcript NM_001394062.1 (MANE Select); coding-DNA position 14429, A replaced by T.
Protein change: p.Asp4810Val; replaces aspartic acid 4810 with valine.
Molecular consequence: missense variant.
Genome position (GRCh38, 1-based): chr1:39,387,271, A>T. VCF-style: chr1-39387271-A-T. GRCh37 (hg19) VCF-style: chr1-39852943-A-T.
Other names: c.8243A>T, p.Asp2748Val (NM_012090.5); short protein forms D2748V, D4810V.
Identifiers: ClinVar variation 1314460 (VCV001314460.2), dbSNP rs1641843757, ClinGen allele CA339738751.
Genomic context (GRCh38, chr1:39,387,271, plus strand): 5'-CAGCTCTTGCCAGCACCCAGCAGTTCCAGCAAATGTTTGATGAGTTGAGGACCTGGTTGG[A>T]TGATAAACAAAGCCAGCAAGCAAAAAACTGCCCAATTTCTGCAAAATTGGAGCGGCTACA-3'
Protein context (NP_001380991.1, residues 4800-4820): QMFDELRTWL[Asp4810Val]DKQSQQAKNC

ClinVar aggregate classification (germline): Uncertain significance (1 of 4 stars; one submission).

Submission:

GeneDx
Classification: Uncertain significance. Last evaluated: 2021-04-19. Review status: criteria provided, single submitter. Criteria: GeneDx Variant Classification Process June 2021. Collection method: clinical testing. Allele origin: germline. Affected: yes.
Comment: Not observed in large population cohorts (Lek et al., 2016); In silico analysis supports that this missense variant has a deleterious effect on protein structure/function; Has not been previously published as pathogenic or benign to our knowledge